The following is an entry in ClinVar:

NM_004795.4(KL):c.2298C>G (p.Gly766=)

Gene: KL (klotho; plus strand). Cytogenetic location: 13q13.1.
Variant type: single nucleotide variant.
Coding change: c.2298C>G on transcript NM_004795.4 (MANE Select); coding-DNA position 2298, C replaced by G.
Protein change: p.Gly766=; no amino-acid change (glycine 766 retained).
Molecular consequence: synonymous variant.
Genome position (GRCh38, 1-based): chr13:33,061,377, C>G. VCF-style: chr13-33061377-C-G. GRCh37 (hg19) VCF-style: chr13-33635514-C-G.
Identifiers: ClinVar variation 881482 (VCV000881482.12), dbSNP rs141751859, ClinGen allele CA6944292.
Genomic context (GRCh38, chr13:33,061,377, plus strand): 5'-AGAGGTGGCTGAGAGAGTTTTGGAATTTGACATTGGCTGGCTGGCTGAGCCCATTTTCGG[C>G]TCTGGAGATTATCCATGGGTGATGAGGGACTGGCTGAACCAAAGAAACAATTTTCTTCTT-3'
Protein context (NP_004786.2, residues 756-776): DIGWLAEPIF[Gly766=]SGDYPWVMRD

ClinVar aggregate classification (germline): Conflicting classifications of pathogenicity. Review status: criteria provided, conflicting classifications (1 of 4 stars). 3 submissions from 3 submitters: Uncertain significance (1); Likely benign (2). Last evaluated 2026-01-06.

Conditions:
Tumoral calcinosis, hyperphosphatemic, familial, 3. Identifiers: MedGen C4693864, MONDO:0060715, OMIM 617994.
KL-related disorder. Also called: KL-related condition.

Allele frequency attached by ClinVar (database versions not stated): ESP Exome Variant Server 0.00023; gnomAD 0.00024 and 0.00025; ExAC 0.00026; gnomAD exomes 0.00030 and 0.00059; TOPMed 0.00031.
gnomAD v4.1: 923 of 1,614,154 alleles (0.057%); highest among the groups gnomAD compares: Non-Finnish European, 0.07%; 1 homozygote.

Submissions (3):

Labcorp Genetics (formerly Invitae), Labcorp
Classification: Likely benign. Last evaluated: 2026-01-06. Review status: criteria provided, single submitter. Criteria: Invitae Variant Classification Sherloc (09022015). Collection method: clinical testing. Allele origin: germline.

PreventionGenetics, part of Exact Sciences
Classification: Likely benign for KL-related condition. Last evaluated: 2025-09-26. Review status: criteria provided, single submitter. Criteria: ACMG Guidelines, 2015. Collection method: clinical testing. Allele origin: germline.
Comment: This variant is classified as likely benign based on ACMG/AMP sequence variant interpretation guidelines (Richards et al. 2015 PMID: 25741868, with internal and published modifications).

Illumina Laboratory Services, Illumina
Classification: Uncertain significance for Tumoral calcinosis, hyperphosphatemic, familial, 3. Last evaluated: 2017-04-27. Review status: criteria provided, single submitter. Criteria: ICSL Variant Classification Criteria 13 December 2019. Collection method: clinical testing. Allele origin: germline.